The following is an entry in ClinVar:

NM_000111.3(SLC26A3):c.1306C>T (p.Gln436Ter)

Gene: SLC26A3 (solute carrier family 26 member 3; minus strand). Cytogenetic location: 7q22.3.
Variant type: single nucleotide variant.
Coding change: c.1306C>T on transcript NM_000111.3 (MANE Select); coding-DNA position 1306, C replaced by T.
Protein change: p.Gln436Ter; replaces glutamine 436 with a stop codon.
Molecular consequence: nonsense.
Genome position (GRCh38, 1-based): chr7:107,782,802, G>A on the plus strand (C>T on the coding strand, the complement: SLC26A3 is on the minus strand). VCF-style: chr7-107782802-G-A. GRCh37 (hg19) VCF-style: chr7-107423247-G-A.
Other names: short protein forms Q436*.
Identifiers: ClinVar variation 55966 (VCV000055966.4), dbSNP rs386833448, ClinGen allele CA144043.

ClinVar aggregate classification (germline): Pathogenic. Review status: criteria provided, single submitter (1 of 4 stars). 2 submissions from 2 submitters: Pathogenic (1). 1 of the submissions does not count toward it. Last evaluated 2020-07-21.

Conditions:
Congenital secretory diarrhea, chloride type (DIAR1). Also called: DIARRHEA 1, SECRETORY CHLORIDE, CONGENITAL; CHLORIDORRHEA, CONGENITAL; CHLORIDE DIARRHEA, CONGENITAL, FINNISH TYPE. Identifiers: Orphanet 53689, MedGen C0267662, MONDO:0008964, OMIM 214700.

Allele frequency attached by ClinVar (database versions not stated): TOPMed 0.00001.

Submissions (2):

Dubai Health Genomic Medicine Center, Dubai Health
Classification: Pathogenic for Congenital secretory diarrhea, chloride type. Last evaluated: 2020-07-21. Review status: criteria provided, single submitter. Criteria: ACMG Guidelines, 2015. Collection method: clinical testing. Allele origin: germline. Affected: yes.
Comment: The Gln436* variant in SLC26A3 has not been previously reported in individuals with disease and was absent from large population studies such as the Genome Aggregation Database (gnomAD) and the Greater Middle East (GME) Variome Database. This nonsense variant leads to a premature termination codon at position 436 which is predicted to lead to a truncated or absent protein. In summary this variant meets our criteria to be classified as likely pathogenic.

Juha Muilu Group; Institute for Molecular Medicine Finland (FIMM)
Classification: Likely pathogenic for Congenital secretory diarrhea, chloride type. Review status: no assertion criteria provided. Collection method: not provided. Allele origin: unknown. Not counted in ClinVar's aggregate classification.
Comment: FinDis database variant: This variant was not found or characterized by our laboratory, data were collected from public sources: see reference
ClinVar note: Converted during submission from probable-pathogenic to Likely pathogenic.